The following is an entry in ClinVar:

ClinVar aggregate classification (germline): Uncertain significance (0 of 4 stars; one submission).

Conditions:
NRP2-related disorder. Also called: NRP2-related condition.

gnomAD v4.1: 3 of 1,611,558 alleles (0.00019%); highest among the groups gnomAD compares: Middle Eastern, 0.016%; no homozygotes.

Submission:

PreventionGenetics, part of Exact Sciences
Classification: Uncertain significance for NRP2-related condition. Last evaluated: 2024-04-02. Review status: no assertion criteria provided. Collection method: clinical testing. Allele origin: germline.
Comment: The NRP2 c.2669T>C variant is predicted to result in the amino acid substitution p.Val890Ala. To our knowledge, this variant has not been reported in the literature. This variant is reported in 0.00078% of alleles in individuals of European (Non-Finnish) descent in gnomAD. At this time, the clinical significance of this variant is uncertain due to the absence of conclusive functional and genetic evidence.

NM_003872.3(NRP2):c.2425+9671T>C

Gene: NRP2 (neuropilin 2; plus strand). Cytogenetic location: 2q33.3.
Variant type: single nucleotide variant.
Coding change: c.2425+9671T>C on transcript NM_003872.3 (MANE Select); 9671 bases into the intron after coding-DNA position 2425, T replaced by C.
Molecular consequence: intron variant. On other transcripts: missense variant (2).
Genome position (GRCh38, 1-based): chr2:205,776,474, T>C. VCF-style: chr2-205776474-T-C. GRCh37 (hg19) VCF-style: chr2-206641198-T-C.
Other names: c.2669T>C, p.Val890Ala (NM_018534.4); c.2654T>C, p.Val885Ala (NM_201267.2); c.2440+9656T>C (NM_201266.2); c.2425+9671T>C (NM_201279.2); short protein forms V885A, V890A.
Identifiers: ClinVar variation 3349047 (VCV003349047.1).